The following is an entry in ClinVar:

ClinVar aggregate classification (germline): Benign/Likely benign. Review status: criteria provided, multiple submitters, no conflicts (2 of 4 stars). 4 submissions from 4 submitters: Benign (2); Likely benign (2). Last evaluated 2026-02-01.

Conditions:
Myofibrillar myopathy 10. Identifiers: MedGen C5436656, MONDO:0033620, OMIM 619040.

Allele frequency attached by ClinVar (database versions not stated): gnomAD exomes 0.00088 and 0.00148; ExAC 0.00166; ESP Exome Variant Server 0.00323; gnomAD 0.00395 and 0.00423; TOPMed 0.00489; 1000 Genomes Project 30x 0.00515; 1000 Genomes Project 0.00539.
gnomAD v4.1: 1,964 of 1,612,898 alleles (0.12%); highest among the groups gnomAD compares: African/African-American, 1.2%; 8 homozygotes.

Submissions (4):

CeGaT Center for Human Genetics Tuebingen
Classification: Likely benign. Last evaluated: 2026-02-01. Review status: criteria provided, single submitter. Criteria: CeGaT Center For Human Genetics Tuebingen Variant Classification Criteria Version 2. Collection method: clinical testing. Allele origin: germline. Affected: yes. Observed: 3 variant alleles.
Comment: SVIL: BS1

Fulgent Genetics
Classification: Likely benign for Myofibrillar myopathy 10. Last evaluated: 2022-05-17. Review status: criteria provided, single submitter. Criteria: ACMG Guidelines, 2015. Collection method: clinical testing. Allele origin: unknown.

Labcorp Genetics (formerly Invitae), Labcorp
Classification: Benign. Last evaluated: 2019-12-31. Review status: criteria provided, single submitter. Criteria: Invitae Variant Classification Sherloc (09022015). Collection method: clinical testing. Allele origin: germline.

Breakthrough Genomics
Classification: Benign. Review status: criteria provided, single submitter. Criteria: ACMG Guidelines, 2015. Collection method: not provided. Allele origin: germline. Inheritance: Autosomal recessive inheritance. Affected: yes.

NM_021738.3(SVIL):c.4241G>C (p.Ser1414Thr)

Gene: SVIL (supervillin; minus strand). Cytogenetic location: 10p11.23.
Variant type: single nucleotide variant.
Coding change: c.4241G>C on transcript NM_021738.3 (MANE Select); coding-DNA position 4241, G replaced by C.
Protein change: p.Ser1414Thr; replaces serine 1414 with threonine.
Molecular consequence: missense variant.
Genome position (GRCh38, 1-based): chr10:29,488,708, C>G on the plus strand (G>C on the coding strand, the complement: SVIL is on the minus strand). VCF-style: chr10-29488708-C-G. GRCh37 (hg19) VCF-style: chr10-29777637-C-G.
Other names: c.3311G>C, p.Ser1104Thr (NM_001323599.2); c.3059G>C, p.Ser1020Thr (NM_001323600.1); c.2963G>C, p.Ser988Thr (NM_003174.3); short protein forms S1104T, S988T, S1020T, S1414T.
Identifiers: ClinVar variation 786582 (VCV000786582.30), dbSNP rs144661370, ClinGen allele CA5456595.